The following is an entry in ClinVar:

NM_000293.3(PHKB):c.*590A>G

Gene: PHKB (phosphorylase kinase regulatory subunit beta; plus strand). Cytogenetic location: 16q12.1.
Variant type: single nucleotide variant.
Coding change: c.*590A>G on transcript NM_000293.3 (MANE Select); 590 bases downstream of the stop codon, A replaced by G.
Molecular consequence: 3 prime UTR variant.
Genome position (GRCh38, 1-based): chr16:47,699,956, A>G. VCF-style: chr16-47699956-A-G. GRCh37 (hg19) VCF-style: chr16-47733867-A-G.
Other names: c.*590A>G (NM_001031835.3, NM_001363837.1).
Identifiers: ClinVar variation 885901 (VCV000885901.4), dbSNP rs143720939, ClinGen allele CA280740185.
Genomic context (GRCh38, chr16:47,699,956, plus strand): 5'-ATACAGAGCTATTCTACAGTTTTTACATTGTAAACATGACTGTGGTTTTGTATTTGCTAA[A>G]TATAGGGGTTGGACTAAAATATAATAAATCTGTACCTTATCAAACATTTTCTTTGAGCTC-3'

ClinVar aggregate classification (germline): Likely benign (1 of 4 stars; one submission).

Conditions:
Glycogen storage disease IXb (GSD9B). Also called: GLYCOGENOSIS OF LIVER AND MUSCLE, AUTOSOMAL RECESSIVE; GSD IXb; PHOSPHORYLASE KINASE DEFICIENCY OF LIVER AND MUSCLE, AUTOSOMAL RECESSIVE. Identifiers: Orphanet 79240, MedGen C0543514, MONDO:0009868, OMIM 261750.

Allele frequency attached by ClinVar (database versions not stated): gnomAD exomes 0.00013; gnomAD 0.00219 and 0.00234; TOPMed 0.00241; 1000 Genomes Project 30x 0.00297; 1000 Genomes Project 0.00300.
gnomAD v4.1: 333 of 160,448 alleles (0.21%); highest among the groups gnomAD compares: African/African-American, 0.77%; no homozygotes.

Submission:

Illumina Laboratory Services, Illumina
Classification: Likely benign for Glycogen storage disease IXb. Last evaluated: 2018-01-13. Review status: criteria provided, single submitter. Criteria: ICSL Variant Classification Criteria 13 December 2019. Collection method: clinical testing. Allele origin: germline.
Comment: This variant was observed in the ICSL laboratory as part of a predisposition screen in an ostensibly healthy population. It had not been previously curated by ICSL or reported in the Human Gene Mutation Database (HGMD: prior to June 1st, 2018), and was therefore a candidate for classification through an automated scoring system. Utilizing variant allele frequency, disease prevalence and penetrance estimates, and inheritance mode, an automated score was calculated to assess if this variant is too frequent to cause the disease. Based on the score and internal cut-off values, a variant classified as likely benign is not then subjected to further curation. The score for this variant resulted in a classification of likely benign for this disease.